The following is an entry in ClinVar:

ClinVar aggregate classification (germline): Uncertain significance (1 of 4 stars; one submission).

Conditions:
Hereditary cancer-predisposing syndrome. Also called: Neoplastic Syndromes, Hereditary; Tumor predisposition; Hereditary Cancer Syndrome; Hereditary neoplastic syndrome. Identifiers: Orphanet 140162, MedGen C0027672, MeSH D009386, MONDO:0015356.

Submission:

Ambry Genetics
Classification: Uncertain significance for Hereditary cancer-predisposing syndrome. Last evaluated: 2025-12-26. Review status: criteria provided, single submitter. Criteria: Ambry Variant Classification Scheme 2023. Collection method: clinical testing. Allele origin: germline.
Comment: The p.P179T variant (also known as c.535C>A), located in coding exon 5 of the MITF gene, results from a C to A substitution at nucleotide position 535. The proline at codon 179 is replaced by threonine, an amino acid with highly similar properties. This amino acid position is conserved. In addition, this alteration is predicted to be tolerated by in silico analysis. Based on the available evidence, the clinical significance of this variant remains unclear.

NM_001354604.2(MITF):c.856C>A (p.Pro286Thr)

Gene: MITF (melanocyte inducing transcription factor; plus strand). Cytogenetic location: 3p13.
Variant type: single nucleotide variant.
Coding change: c.856C>A on transcript NM_001354604.2 (MANE Select); coding-DNA position 856, C replaced by A.
Protein change: p.Pro286Thr; replaces proline 286 with threonine.
Molecular consequence: missense variant.
Genome position (GRCh38, 1-based): chr3:69,949,144, C>A. VCF-style: chr3-69949144-C-A. GRCh37 (hg19) VCF-style: chr3-69998295-C-A.
Other names: c.535C>A, p.Pro179Thr (NM_000248.4, NM_198158.3); c.700C>A, p.Pro234Thr (NM_001184967.2, NM_001354608.2); c.853C>A, p.Pro285Thr (NM_001354605.2, NM_001354606.2, NM_006722.3); c.805C>A, p.Pro269Thr (NM_001354607.2); c.856C>A, p.Pro286Thr (NM_198159.3); c.808C>A, p.Pro270Thr (NM_198177.3); c.367C>A, p.Pro123Thr (NM_198178.3); short protein forms P234T, P285T, P270T, P123T, P269T, P179T, P286T.
Identifiers: ClinVar variation 4841480 (VCV004841480.1).
Genomic context (GRCh38, chr3:69,949,144, plus strand): 5'-GGAAACCAAGGTCTGCCCCCACCAGGCCTCACCATCAGCAACTCCTGTCCAGCCAACCTT[C>A]CCAACATAAAAAGGGAGCTCACAGGTAAACACCTAGTAAATGTGCCTCTTACTGCAGATT-3'
Protein context (NP_001341533.1, residues 276-296): TISNSCPANL[Pro286Thr]NIKRELTACI